The following is an entry in ClinVar:

ClinVar aggregate classification (germline): Uncertain significance (1 of 4 stars; one submission).

Conditions:
SEMA3G-related disorder. Also called: SEMA3G-related condition.

Submission:

PreventionGenetics, part of Exact Sciences
Classification: Uncertain significance for SEMA3G-related condition. Last evaluated: 2026-03-05. Review status: criteria provided, single submitter. Criteria: ACMG Guidelines, 2015. Collection method: clinical testing. Allele origin: germline.
Comment: The SEMA3G c.565A>G variant is predicted to result in the amino acid substitution p.Thr189Ala. To our knowledge, this variant has not been reported in the literature. This variant is reported in 0.028% of alleles in individuals of African descent in gnomAD. At this time, the clinical significance of this variant is uncertain due to the absence of conclusive functional and genetic evidence.

NM_020163.3(SEMA3G):c.565A>G (p.Thr189Ala)

Gene: SEMA3G (semaphorin 3G; minus strand). Cytogenetic location: 3p21.1.
Variant type: single nucleotide variant.
Coding change: c.565A>G on transcript NM_020163.3 (MANE Select); coding-DNA position 565, A replaced by G.
Protein change: p.Thr189Ala; replaces threonine 189 with alanine.
Molecular consequence: missense variant.
Genome position (GRCh38, 1-based): chr3:52,441,676, T>C on the plus strand (A>G on the coding strand, the complement: SEMA3G is on the minus strand). VCF-style: chr3-52441676-T-C. GRCh37 (hg19) VCF-style: chr3-52475692-T-C.
Other names: short protein forms T189A.
Identifiers: ClinVar variation 3345098 (VCV003345098.2).